The following is an entry in ClinVar:

NM_001142800.2(EYS):c.4976T>A (p.Leu1659Ter)

Gene: EYS (EGF-like photoreceptor maintenance factor; minus strand). Cytogenetic location: 6q12.
Variant type: single nucleotide variant.
Coding change: c.4976T>A on transcript NM_001142800.2 (MANE Select); coding-DNA position 4976, T replaced by A.
Protein change: p.Leu1659Ter; replaces leucine 1659 with a stop codon.
Molecular consequence: nonsense.
Genome position (GRCh38, 1-based): chr6:64,590,891, A>T on the plus strand (T>A on the coding strand, the complement: EYS is on the minus strand). VCF-style: chr6-64590891-A-T. GRCh37 (hg19) VCF-style: chr6-65300784-A-T.
Other names: c.4976T>A (NM_001142800.1); c.4976T>A, p.Leu1659Ter (NM_001292009.2); short protein forms L1659*.
Identifiers: ClinVar variation 1959988 (VCV001959988.7), dbSNP rs1466540617, ClinGen allele CA364782129.

ClinVar aggregate classification (germline): Pathogenic/Likely pathogenic. Review status: criteria provided, multiple submitters, no conflicts (2 of 4 stars). 2 submissions from 2 submitters: Pathogenic (1); Likely pathogenic (1). Last evaluated 2025-11-04.

Conditions:
Retinitis pigmentosa 25 (RP25). Identifiers: Orphanet 791, MedGen C1864446, MONDO:0011272, OMIM 602772.

Allele frequency attached by ClinVar (database versions not stated): TOPMed below 0.00001; gnomAD 0.00001.
gnomAD v4.1: 1 of 1,550,482 alleles (0.000064%); highest among the groups gnomAD compares: Non-Finnish European, 0.000087%; no homozygotes.

Submissions (2):

Natera, Inc.
Classification: Likely pathogenic for Retinitis pigmentosa type 25. Last evaluated: 2025-11-04. Review status: criteria provided, single submitter. Criteria: Natera Variant Classification Schema (03/2026). Collection method: clinical testing. Allele origin: germline.
Comment: The c.4976T>A variant in EYS is a nonsense variant predicted to introduce a stop codon at amino acid 1659. This variant is expected to result in nonsense mediated decay, truncation, or a dysfunctional protein product. This variant is rare in the general population with a frequency below the threshold expected for the associated phenotype(s). Given the available evidence, this variant is classified as Likely Pathogenic.

Labcorp Genetics (formerly Invitae), Labcorp
Classification: Pathogenic. Last evaluated: 2025-05-29. Review status: criteria provided, single submitter. Criteria: Invitae Variant Classification Sherloc (09022015). Collection method: clinical testing. Allele origin: germline.
Comment: This sequence change creates a premature translational stop signal (p.Leu1659*) in the EYS gene. It is expected to result in an absent or disrupted protein product. Loss-of-function variants in EYS are known to be pathogenic (PMID: 18836446, 20333770). This variant is present in population databases (no rsID available, gnomAD 0.007%). This variant has not been reported in the literature in individuals affected with EYS-related conditions. ClinVar contains an entry for this variant (Variation ID: 1959988). For these reasons, this variant has been classified as Pathogenic.

Literature cited by the submitters: PubMed 18836446 (cited by Labcorp Genetics (formerly Invitae), Labcorp); PubMed 20333770 (cited by Labcorp Genetics (formerly Invitae), Labcorp).